The following is an entry in ClinVar:

ClinVar aggregate classification (germline): Pathogenic/Likely pathogenic. Review status: criteria provided, multiple submitters, no conflicts (2 of 4 stars). 6 submissions from 5 submitters: Pathogenic (5); Likely pathogenic (1). Last evaluated 2025-04-21.

Conditions:
Arthrogryposis multiplex congenita 6. Identifiers: MedGen C5543431, MONDO:0030281, OMIM 619334.
Nemaline myopathy 2 (NEM2). Also called: Nemaline myopathy 2, autosomal recessive. Identifiers: MedGen C1850569, MONDO:0009725, OMIM 256030.

Submissions (6):

GeneDx
Classification: Pathogenic. Last evaluated: 2025-04-21. Review status: criteria provided, single submitter. Criteria: GeneDx Variant Classification Process June 2021. Collection method: clinical testing. Allele origin: germline. Affected: yes.
Comment: Reported with a second NEB variant on the opposite allele (in trans) in a proband with congenital myopathy (PMID: 35081925); Canonical splice site variant predicted to result in an in-frame loss of the adjacent exon in a gene for which loss of function is a known mechanism of disease; Deletions involving coding exons of this gene are a known mechanism of disease (HGMD); Not observed at significant frequency in large population cohorts (gnomAD); This variant is associated with the following publications: (PMID: 35081925)

Baylor Genetics
Classification: Pathogenic for Arthrogryposis multiplex congenita 6. Last evaluated: 2023-11-21. Review status: criteria provided, single submitter. Criteria: ACMG Guidelines, 2015. Collection method: clinical testing. Allele origin: unknown.

Labcorp Genetics (formerly Invitae), Labcorp
Classification: Pathogenic for Nemaline myopathy 2. Last evaluated: 2023-10-20. Review status: criteria provided, single submitter. Criteria: Invitae Variant Classification Sherloc (09022015). Collection method: clinical testing. Allele origin: germline.
Comment: This sequence change affects a donor splice site in intron 33 of the NEB gene. It is expected to disrupt RNA splicing. Variants that disrupt the donor or acceptor splice site typically lead to a loss of protein function (PMID: 16199547), and loss-of-function variants in NEB are known to be pathogenic (PMID: 25205138). This variant is not present in population databases (gnomAD no frequency). Disruption of this splice site has been observed in individual(s) with NEB-related conditions (Invitae). In at least one individual the data is consistent with being in trans (on the opposite chromosome) from a pathogenic variant. ClinVar contains an entry for this variant (Variation ID: 129741). Algorithms developed to predict the effect of sequence changes on RNA splicing suggest that this variant may disrupt the consensus splice site. For these reasons, this variant has been classified as Pathogenic.

Pediatric Department, Peking University First Hospital
Classification: Pathogenic for Nemaline myopathy 2. Last evaluated: 2020-04-11. Review status: criteria provided, single submitter. Criteria: ACMG Guidelines, 2015. Collection method: provider interpretation. Allele origin: paternal. Affected: yes.

Baylor Genetics
Classification: Likely pathogenic for Nemaline myopathy 2. Last evaluated: 2019-08-29. Review status: criteria provided, single submitter. Criteria: ACMG Guidelines, 2015. Collection method: clinical testing. Allele origin: unknown. Affected: yes.
Comment: This variant was determined to be likely pathogenic according to ACMG Guidelines, 2015 [PMID:25741868].

Genetic Services Laboratory, University of Chicago
Classification: Pathogenic for Nemaline myopathy 2, autosomal recessive. Last evaluated: 2014-03-31. Review status: criteria provided, single submitter. Criteria: ACMG Guidelines, 2007. Collection method: clinical testing. Allele origin: germline. Inheritance: Autosomal recessive inheritance. Affected: yes.

Literature cited by the submitters: PubMed 16199547 (cited by Labcorp Genetics (formerly Invitae), Labcorp); PubMed 25205138 (cited by Labcorp Genetics (formerly Invitae), Labcorp).

NM_001164508.2(NEB):c.3567+1G>A

Gene: NEB (nebulin; minus strand). Cytogenetic location: 2q23.3.
Variant type: single nucleotide variant.
Coding change: c.3567+1G>A on transcript NM_001164508.2 (MANE Select); the canonical splice donor site of the intron after coding-DNA position 3567, G replaced by A.
Molecular consequence: splice donor variant.
Genome position (GRCh38, 1-based): chr2:151,677,875, C>T on the plus strand (G>A on the coding strand, the complement: NEB is on the minus strand). VCF-style: chr2-151677875-C-T. GRCh37 (hg19) VCF-style: chr2-152534389-C-T.
Other names: c.3567+1G>A (NM_004543.5, NM_001164507.2, NM_001271208.2 and 1 more transcripts).
Identifiers: ClinVar variation 129741 (VCV000129741.18), dbSNP rs587780399, ClinGen allele CA153986.